The following is an entry in ClinVar:

ClinVar aggregate classification (germline): Uncertain significance. Review status: criteria provided, multiple submitters, no conflicts (2 of 4 stars). 4 submissions from 4 submitters: Uncertain significance (4). Last evaluated 2025-10-06.

Conditions:
Inborn genetic diseases. Identifiers: MedGen C0950123, MeSH D030342.
Ehlers-Danlos syndrome, musculocontractural type 2 (EDSMC2). Identifiers: Orphanet 2953, MedGen C3809845, MONDO:0014236, OMIM 615539.

Allele frequency attached by ClinVar (database versions not stated): gnomAD exomes 0.00002; TOPMed 0.00002; ExAC 0.00003; gnomAD 0.00003.
gnomAD v4.1: 27 of 1,613,928 alleles (0.0017%); highest among the groups gnomAD compares: Non-Finnish European, 0.0022%; no homozygotes.

Submissions (4):

Labcorp Genetics (formerly Invitae), Labcorp
Classification: Uncertain significance for Ehlers-Danlos syndrome, musculocontractural type 2. Last evaluated: 2025-10-06. Review status: criteria provided, single submitter. Criteria: Invitae Variant Classification Sherloc (09022015). Collection method: clinical testing. Allele origin: germline.
Comment: This sequence change replaces lysine, which is basic and polar, with glutamic acid, which is acidic and polar, at codon 834 of the DSE protein (p.Lys834Glu). This variant is present in population databases (rs760233377, gnomAD 0.004%). This variant has not been reported in the literature in individuals affected with DSE-related conditions. ClinVar contains an entry for this variant (Variation ID: 2195982). An algorithm developed to predict the effect of missense changes on protein structure and function (PolyPhen-2) suggests that this variant is likely to be tolerated. In summary, the available evidence is currently insufficient to determine the role of this variant in disease. Therefore, it has been classified as a Variant of Uncertain Significance.

Mayo Clinic Laboratories, Mayo Clinic
Classification: Uncertain significance. Last evaluated: 2025-07-21. Review status: criteria provided, single submitter. Criteria: ACMG Guidelines, 2015. Collection method: clinical testing. Allele origin: germline. Observed: 2 variant alleles.
Comment: BP4

Ambry Genetics
Classification: Uncertain significance for Inborn genetic diseases. Last evaluated: 2024-06-16. Review status: criteria provided, single submitter. Criteria: Ambry Variant Classification Scheme 2023. Collection method: clinical testing. Allele origin: germline.

Blueprint Genetics
Classification: Uncertain significance. Last evaluated: 2024-02-26. Review status: criteria provided, single submitter. Criteria: ACMG Guidelines, 2015. Collection method: clinical testing. Allele origin: germline.

NM_013352.4(DSE):c.2500A>G (p.Lys834Glu)

Gene: DSE (dermatan sulfate epimerase; plus strand). Cytogenetic location: 6q22.1.
Variant type: single nucleotide variant.
Coding change: c.2500A>G on transcript NM_013352.4 (MANE Select); coding-DNA position 2500, A replaced by G.
Protein change: p.Lys834Glu; replaces lysine 834 with glutamic acid.
Molecular consequence: missense variant. On other transcripts: 3 prime UTR variant (2), non-coding transcript variant (1).
Genome position (GRCh38, 1-based): chr6:116,436,968, A>G. VCF-style: chr6-116436968-A-G. GRCh37 (hg19) VCF-style: chr6-116758131-A-G.
Other names: p.Lys834Glu; c.2500A>G, p.Lys834Glu (NM_001080976.3, NM_001322937.2, NM_001322938.2); c.2557A>G, p.Lys853Glu (NM_001322939.2); c.1939A>G, p.Lys647Glu (NM_001322940.2, NM_001322941.2); c.*1365A>G (NM_001322943.2, NM_001322944.2); c.1501A>G, p.Lys501Glu (NM_001374520.1); c.1465A>G, p.Lys489Glu (NM_001374521.1); c.2500A>G (NM_013352.2); short protein forms K647E, K834E, K853E, K489E, K501E.
Identifiers: ClinVar variation 2195982 (VCV002195982.5), dbSNP rs760233377, ClinGen allele CA3969828.
Genomic context (GRCh38, chr6:116,436,968, plus strand): 5'-AAACGCTATAAATTTGTGGATGCTGTCCCTGATATTTTTGCACAGATTGAAGTCAATGAG[A>G]AAAAGATTAGACAGAAAGCTCAGATTTTGGCACAGAAAGAACTACCCATAGATGAAGATG-3'
Protein context (NP_037484.1, residues 824-844): DIFAQIEVNE[Lys834Glu]KIRQKAQILA